The following is an entry in ClinVar:

ClinVar aggregate classification (germline): Benign/Likely benign. Review status: criteria provided, multiple submitters, no conflicts (2 of 4 stars). 5 submissions from 5 submitters: Benign (1); Likely benign (3). 1 of the submissions does not count toward it. Last evaluated 2026-06-04.

Conditions:
KIT-related disorder. Also called: KIT-related condition.
Germ cell tumor of testis (TGCT). Also called: GERM CELL TUMOR, SOMATIC; Testicular germ cell tumor. Identifiers: Orphanet 363504, MedGen C1336708, MONDO:0010108, OMIM 273300.
Cutaneous mastocytosis. Also called: MASTOCYTOSIS, MACULOPAPULAR CUTANEOUS. Identifiers: Orphanet 66646, MedGen C1136033, MONDO:0019023, OMIM 154800, HP:0200151.
Acute myeloid leukemia (AML). Also called: Acute myeloid leukemia, adult; AML adult; Acute non-lymphocytic leukemia; Acute granulocytic leukemia; Leukemia, acute myelogenous, somatic; Leukemia, acute myeloid, somatic. Identifiers: Orphanet 519, MedGen C0023467, MeSH D015470, MONDO:0018874, OMIM 601626, HP:0004808. Disease mechanism: Constitutively activated FLT3.
Gastrointestinal stromal tumor. Also called: Gastrointestinal stroma tumor; Gastrointestinal stromal tumor, somatic. Identifiers: Orphanet 44890, MedGen C0238198, MeSH D046152, MONDO:0011719, OMIM 606764, HP:0100723.
Piebaldism. Also called: Piebald skin depigmentation. Identifiers: Orphanet 2884, MedGen C0080024, MONDO:0008244, OMIM 172800, HP:0007544.
Hereditary cancer-predisposing syndrome. Also called: Tumor predisposition; Hereditary Cancer Syndrome; Neoplastic Syndromes, Hereditary; Hereditary neoplastic syndrome. Identifiers: Orphanet 140162, MedGen C0027672, MeSH D009386, MONDO:0015356.

Allele frequency attached by ClinVar (database versions not stated): gnomAD exomes 0.00002 and 0.00004; ExAC 0.00007; gnomAD 0.00012 and 0.00014; TOPMed 0.00020; ESP Exome Variant Server 0.00038.
gnomAD v4.1: 43 of 1,613,578 alleles (0.0027%); highest among the groups gnomAD compares: African/African-American, 0.052%; no homozygotes.

Submissions (5):

Myriad Genetics, Inc.
Classification: Benign for Gastrointestinal stromal tumor. Last evaluated: 2026-06-04. Review status: criteria provided, single submitter. Criteria: Myriad Autosomal Dominant, Autosomal Recessive and X-Linked Classification Criteria (2023). Collection method: clinical testing. Allele origin: unknown.
Comment: This variant is considered benign. This variant is a silent/synonymous amino acid change and it is not expected to impact splicing.

Labcorp Genetics (formerly Invitae), Labcorp
Classification: Likely benign for Gastrointestinal stromal tumor. Last evaluated: 2026-01-19. Review status: criteria provided, single submitter. Criteria: Invitae Variant Classification Sherloc (09022015). Collection method: clinical testing. Allele origin: germline.

Fulgent Genetics
Classification: Likely benign for Cutaneous mastocytosis; Piebaldism; Germ cell tumor of testis; Acute myeloid leukemia; Gastrointestinal stromal tumor. Last evaluated: 2022-05-18. Review status: criteria provided, single submitter. Criteria: ACMG Guidelines, 2015. Collection method: clinical testing. Allele origin: unknown.

Ambry Genetics
Classification: Likely benign for Hereditary cancer-predisposing syndrome. Last evaluated: 2022-02-16. Review status: criteria provided, single submitter. Criteria: Ambry Variant Classification Scheme 2023. Collection method: clinical testing. Allele origin: germline.

PreventionGenetics, part of Exact Sciences
Classification: Likely benign for KIT-related condition. Last evaluated: 2020-03-23. Review status: no assertion criteria provided. Collection method: clinical testing. Allele origin: germline. Not counted in ClinVar's aggregate classification.
Comment: This variant is classified as likely benign based on ACMG/AMP sequence variant interpretation guidelines (Richards et al. 2015 PMID: 25741868, with internal and published modifications).

NM_000222.3(KIT):c.2502G>A (p.Lys834=)

Gene: KIT (KIT proto-oncogene, receptor tyrosine kinase; plus strand). Cytogenetic location: 4q12.
Variant type: single nucleotide variant.
Coding change: c.2502G>A on transcript NM_000222.3 (MANE Select); coding-DNA position 2502, G replaced by A.
Protein change: p.Lys834=; no amino-acid change (lysine 834 retained).
Molecular consequence: synonymous variant.
Genome position (GRCh38, 1-based): chr4:54,736,515, G>A. VCF-style: chr4-54736515-G-A. GRCh37 (hg19) VCF-style: chr4-55602681-G-A.
Other names: c.2490G>A, p.Lys830= (NM_001093772.2, NM_001385292.1); c.2505G>A, p.Lys835= (NM_001385284.1); c.2499G>A, p.Lys833= (NM_001385285.1); c.2487G>A, p.Lys829= (NM_001385286.1); c.2493G>A, p.Lys831= (NM_001385288.1); c.2502G>A, p.Lys834= (NM_001385290.1).
Identifiers: ClinVar variation 237264 (VCV000237264.18), dbSNP rs146992614, ClinGen allele CA2923786.